The following is an entry in ClinVar:

NM_001297595.2(SIN3B):c.1951G>A (p.Asp651Asn)

Gene: SIN3B (SIN3 transcription regulator family member B; plus strand). Cytogenetic location: 19p13.11.
Variant type: single nucleotide variant.
Coding change: c.1951G>A on transcript NM_001297595.2 (MANE Select); coding-DNA position 1951, G replaced by A.
Protein change: p.Asp651Asn; replaces aspartic acid 651 with asparagine.
Molecular consequence: missense variant.
Genome position (GRCh38, 1-based): chr19:16,869,604, G>A. VCF-style: chr19-16869604-G-A. GRCh37 (hg19) VCF-style: chr19-16980415-G-A.
Other names: c.721G>A, p.Asp241Asn (NM_001297597.2); c.2047G>A, p.Asp683Asn (NM_015260.4); short protein forms D241N, D651N, D683N.
Identifiers: ClinVar variation 3373630 (VCV003373630.1).

ClinVar aggregate classification (germline): Uncertain significance (1 of 4 stars; one submission).

gnomAD v4.1: 1 of 1,613,536 alleles (0.000062%); highest among the groups gnomAD compares: Non-Finnish European, 0.000085%; no homozygotes.

Submission:

GeneDx
Classification: Uncertain significance. Last evaluated: 2024-03-06. Review status: criteria provided, single submitter. Criteria: GeneDx Variant Classification Process June 2021. Collection method: clinical testing. Allele origin: germline. Affected: yes.
Comment: Not observed at significant frequency in large population cohorts (gnomAD); In silico analysis supports that this missense variant has a deleterious effect on protein structure/function; Has not been previously published as pathogenic or benign to our knowledge